The following is an entry in ClinVar:

NM_002449.5(MSX2):c.*1146T>C

Gene: MSX2 (msh homeobox 2; plus strand). Cytogenetic location: 5q35.2.
Variant type: single nucleotide variant.
Coding change: c.*1146T>C on transcript NM_002449.5 (MANE Select); 1146 bases downstream of the stop codon, T replaced by C.
Molecular consequence: 3 prime UTR variant.
Genome position (GRCh38, 1-based): chr5:174,730,729, T>C. VCF-style: chr5-174730729-T-C. GRCh37 (hg19) VCF-style: chr5-174157732-T-C.
Other names: c.*1574T>C (NM_001363626.2).
Identifiers: ClinVar variation 352863 (VCV000352863.5), dbSNP rs2890848, ClinGen allele CA10621347.

ClinVar aggregate classification (germline): Benign. Review status: criteria provided, single submitter (1 of 4 stars). 2 submissions from 1 submitter: Benign (2). Last evaluated 2018-01-13.

Conditions:
Parietal foramina 1 (PFM1). Also called: FORAMINA PARIETALIA PERMAGNA; PARIETAL FORAMINA, SYMMETRIC. Identifiers: Orphanet 60015, MedGen C1868599, MONDO:0008197, OMIM 168500.
Craniosynostosis 2 (CRS2). Also called: Warman-Mulliken-Hayward syndrome; Craniosynostosis Warman type; Craniosynostosis Boston type. Identifiers: Orphanet 1541, MedGen C1858160, MONDO:0011481, OMIM 604757.

Allele frequency attached by ClinVar (database versions not stated): 1000 Genomes Project 0.77576; gnomAD exomes 0.82870; TOPMed 0.75697; gnomAD 0.75720 and 0.76752; 1000 Genomes Project 30x 0.76655.
gnomAD v4.1: 117,118 of 152,488 alleles (77%); highest among the groups gnomAD compares: East Asian, 98%; 46,822 homozygotes.

Submissions (2):

Illumina Laboratory Services, Illumina
Classification: Benign for Craniosynostosis 2. Last evaluated: 2018-01-13. Review status: criteria provided, single submitter. Criteria: ICSL Variant Classification Criteria 13 December 2019. Collection method: clinical testing. Allele origin: germline.
Comment: This variant was observed in the ICSL laboratory as part of a predisposition screen in an ostensibly healthy population. It had not been previously curated by ICSL or reported in the Human Gene Mutation Database (HGMD: prior to June 1st, 2018), and was therefore a candidate for classification through an automated scoring system. Utilizing variant allele frequency, disease prevalence and penetrance estimates, and inheritance mode, an automated score was calculated to assess if this variant is too frequent to cause the disease. Based on the score and internal cut-off values, a variant classified as benign is not then subjected to further curation. The score for this variant resulted in a classification of benign for this disease.

Illumina Laboratory Services, Illumina
Classification: Benign for Parietal foramina 1. Last evaluated: 2018-01-13. Review status: criteria provided, single submitter. Criteria: ICSL Variant Classification Criteria 13 December 2019. Collection method: clinical testing. Allele origin: germline.
Comment: the same text as in the submission from Illumina Laboratory Services, Illumina above.